The following is an entry in ClinVar:

NM_002972.4(SBF1):c.2872G>C (p.Val958Leu)

Gene: SBF1 (SET binding factor 1; minus strand). Cytogenetic location: 22q13.33.
Variant type: single nucleotide variant.
Coding change: c.2872G>C on transcript NM_002972.4 (MANE Select); coding-DNA position 2872, G replaced by C.
Protein change: p.Val958Leu; replaces valine 958 with leucine.
Molecular consequence: missense variant.
Genome position (GRCh38, 1-based): chr22:50,461,254, C>G on the plus strand (G>C on the coding strand, the complement: SBF1 is on the minus strand). VCF-style: chr22-50461254-C-G. GRCh37 (hg19) VCF-style: chr22-50899683-C-G.
Other names: c.2875G>C, p.Val959Leu (NM_001365819.1, NM_001410794.1); c.2872G>C, p.Val958Leu (NM_001410795.1); short protein forms V958L, V959L.
Identifiers: ClinVar variation 3896674 (VCV003896674.2).

ClinVar aggregate classification (germline): Uncertain significance (1 of 4 stars; one submission).

Submission:

Women's Health and Genetics/Laboratory Corporation of America, LabCorp
Classification: Uncertain significance. Last evaluated: 2025-04-23. Review status: criteria provided, single submitter. Criteria: LabCorp Variant Classification Summary - May 2015. Collection method: clinical testing. Allele origin: germline.
Comment: Variant summary: SBF1 c.2872G>C (p.Val958Leu) results in a conservative amino acid change located in the GRAM domain (IPR004182) of the encoded protein sequence. Three of five in-silico tools predict a benign effect of the variant on protein function. The variant was absent in 248432 control chromosomes. The available data on variant occurrences in the general population are insufficient to allow any conclusion about variant significance. To our knowledge, no occurrence of c.2872G>C in individuals affected with Charcot-Marie-Tooth disease type 4B3 and no experimental evidence demonstrating its impact on protein function have been reported. No submitters have cited clinical-significance assessments for this variant to ClinVar. Based on the evidence outlined above, the variant was classified as uncertain significance.